The following is an entry in ClinVar:

NM_006073.4(TRDN):c.1891C>T (p.Leu631Phe)

Gene: TRDN (triadin; minus strand). Cytogenetic location: 6q22.31.
Variant type: single nucleotide variant.
Coding change: c.1891C>T on transcript NM_006073.4 (MANE Select); coding-DNA position 1891, C replaced by T.
Protein change: p.Leu631Phe; replaces leucine 631 with phenylalanine.
Molecular consequence: missense variant.
Genome position (GRCh38, 1-based): chr6:123,255,882, G>A on the plus strand (C>T on the coding strand, the complement: TRDN is on the minus strand). VCF-style: chr6-123255882-G-A. GRCh37 (hg19) VCF-style: chr6-123577027-G-A.
Other names: short protein forms L631F.
Identifiers: ClinVar variation 4841766 (VCV004841766.1).

ClinVar aggregate classification (germline): Uncertain significance (1 of 4 stars; one submission).

Conditions:
Cardiovascular phenotype. Identifiers: MedGen CN230736.

Submission:

Ambry Genetics
Classification: Uncertain significance for Cardiovascular phenotype. Last evaluated: 2026-03-07. Review status: criteria provided, single submitter. Criteria: Ambry Variant Classification Scheme 2023. Collection method: clinical testing. Allele origin: germline.
Comment: The p.L631F variant (also known as c.1891C>T), located in coding exon 36 of the TRDN gene, results from a C to T substitution at nucleotide position 1891. The leucine at codon 631 is replaced by phenylalanine, an amino acid with highly similar properties. This amino acid position is conserved. In addition, this alteration is predicted to be tolerated by in silico analysis. Based on the available evidence, the clinical significance of this variant remains unclear.